The following is an entry in ClinVar:

NM_003709.4(KLF7):c.858-4C>T

Gene: KLF7 (KLF transcription factor 7; minus strand). Cytogenetic location: 2q33.3.
Variant type: single nucleotide variant.
Coding change: c.858-4C>T on transcript NM_003709.4 (MANE Select); 4 bases into the intron before coding-DNA position 858, C replaced by T.
Molecular consequence: intron variant.
Genome position (GRCh38, 1-based): chr2:207,081,268, G>A on the plus strand (C>T on the coding strand, the complement: KLF7 is on the minus strand). VCF-style: chr2-207081268-G-A. GRCh37 (hg19) VCF-style: chr2-207945992-G-A.
Other names: c.759-4C>T (NM_001270943.2); c.656-4C>T (NM_001270942.1); c.774-4C>T (NM_001270944.2).
Identifiers: ClinVar variation 1703069 (VCV001703069.3), dbSNP rs2076264425, ClinGen allele CA1041659928.

ClinVar aggregate classification (germline): Uncertain significance (1 of 4 stars; one submission).

Allele frequency attached by ClinVar (database versions not stated): gnomAD 0.00001; TOPMed 0.00001.
gnomAD v4.1: 4 of 1,612,698 alleles (0.00025%); highest among the groups gnomAD compares: African/African-American, 0.0013%; no homozygotes.

Submission:

Greenwood Genetic Center Diagnostic Laboratories, Greenwood Genetic Center
Classification: Uncertain significance. Last evaluated: 2022-05-25. Review status: criteria provided, single submitter. Criteria: ACMG Guidelines, 2015. Collection method: clinical testing. Allele origin: germline. Affected: yes.
Comment: Gene of Uncertain Significance